The following is an entry in ClinVar:

ClinVar aggregate classification (germline): Pathogenic (1 of 4 stars; one submission).

Conditions:
Cohen syndrome (COH1). Also called: PEPPER SYNDROME; Cutis verticis gyrata, retinitis pigmentosa, and sensorineural deafness. Identifiers: Orphanet 193, MedGen C0265223, MONDO:0008999, OMIM 216550.

Submission:

Labcorp Genetics (formerly Invitae), Labcorp
Classification: Pathogenic for Cohen syndrome. Last evaluated: 2024-03-04. Review status: criteria provided, single submitter. Criteria: Invitae Variant Classification Sherloc (09022015). Collection method: clinical testing. Allele origin: germline.
Comment: This sequence change creates a premature translational stop signal (p.Lys3792Glnfs*24) in the VPS13B gene. It is expected to result in an absent or disrupted protein product. Loss-of-function variants in VPS13B are known to be pathogenic (PMID: 15141358, 16648375, 20461111). This variant is not present in population databases (gnomAD no frequency). This variant has not been reported in the literature in individuals affected with VPS13B-related conditions. For these reasons, this variant has been classified as Pathogenic.

Literature cited by the submitters: PubMed 15141358; PubMed 16648375; PubMed 20461111.

NM_152564.5(VPS13B):c.11298dup (p.Lys3767fs)

Gene: VPS13B (vacuolar protein sorting 13 homolog B; plus strand). Cytogenetic location: 8q22.2.
Variant type: Duplication.
Coding change: c.11298dup on transcript NM_152564.5 (MANE Select); coding-DNA position 11298, one base duplicated (C; older notation c.11298dupC).
Protein change: p.Lys3767fs; shifts the reading frame from lysine 3767.
Molecular consequence: frameshift variant.
Genome position (GRCh38, 1-based): chr8:99,868,371, C duplicated; the last of 2 consecutive C bases (chr8:99,868,370-99,868,371); duplicating either gives the same sequence. VCF-style (leftmost placement, unchanged base first): chr8-99868369-G-GC. GRCh37 (hg19) VCF-style: chr8-100880597-G-GC.
Other names: c.11373dup, p.Lys3792fs (NM_017890.5); short protein forms K3792fs, K3767fs.
Identifiers: ClinVar variation 2755943 (VCV002755943.3), dbSNP rs2492346869, ClinGen allele CA2697550079.